The following is an entry in ClinVar:

NM_001267550.2(TTN):c.24019C>T (p.Arg8007Ter)

Gene: TTN (titin; minus strand). Cytogenetic location: 2q31.2.
Variant type: single nucleotide variant.
Coding change: c.24019C>T on transcript NM_001267550.2 (MANE Select); coding-DNA position 24019, C replaced by T.
Protein change: p.Arg8007Ter; replaces arginine 8007 with a stop codon.
Molecular consequence: nonsense. On other transcripts: intron variant (3).
Genome position (GRCh38, 1-based): chr2:178,719,371, G>A on the plus strand (C>T on the coding strand, the complement: TTN is on the minus strand). VCF-style: chr2-178719371-G-A. GRCh37 (hg19) VCF-style: chr2-179584098-G-A.
Other names: c.23068C>T, p.Arg7690Ter (NM_001256850.1); c.20287C>T, p.Arg6763Ter (NM_133378.4); c.13282+18711C>T (NM_003319.4); c.13858+18711C>T (NM_133437.4); c.13657+18711C>T (NM_133432.3); short protein forms R8007*, R6763*, R7690*.
Identifiers: ClinVar variation 198945 (VCV000198945.16), dbSNP rs794727941, ClinGen allele CA247870.

ClinVar aggregate classification (germline): Conflicting classifications of pathogenicity. Review status: criteria provided, conflicting classifications (1 of 4 stars). 4 submissions from 4 submitters: Likely pathogenic (2); Uncertain significance (2). Last evaluated 2026-01-12.

Conditions:
TTN-related disorder. Also called: TTN-related condition; TTN-related disease; TTN-related disorders.
Dilated cardiomyopathy 1G (CMD1G). Identifiers: Orphanet 154, MedGen C1858763, MONDO:0011400, OMIM 604145.
Autosomal recessive limb-girdle muscular dystrophy type 2J (LGMDR10). Also called: MUSCULAR DYSTROPHY, LIMB-GIRDLE, AUTOSOMAL RECESSIVE 10; Limb-girdle muscular dystrophy, type 2J. Identifiers: Orphanet 140922, MedGen C1837342, MONDO:0012127, OMIM 608807.

gnomAD v4.1: 5 of 1,613,696 alleles (0.00031%); highest among the groups gnomAD compares: Non-Finnish European, 0.00025%; no homozygotes.

Submissions (4):

3billion
Classification: Likely pathogenic for TTN-related disorder. Last evaluated: 2026-01-12. Review status: criteria provided, single submitter. Criteria: ACMG Guidelines, 2015. Collection method: clinical testing. Allele origin: germline. Affected: yes.
Comment: The variant is observed at an extremely low frequency in the gnomAD v4.1.0 dataset (total allele frequency: <0.001%). Predicted Consequence/Location: Stop-gained (nonsense): predicted to result in a loss or disruption of normal protein function through nonsense-mediated decay (NMD) or protein truncation. Multiple pathogenic variants are reported downstream of the variant. The variant has been reported to be associated with TTN-related disorder (ClinVar ID: VCV000198945). Therefore, this variant is classified as Likely pathogenic according to the recommendation of ACMG/AMP guideline.

Labcorp Genetics (formerly Invitae), Labcorp
Classification: Likely pathogenic for Dilated cardiomyopathy 1G; Autosomal recessive limb-girdle muscular dystrophy type 2J. Last evaluated: 2024-10-18. Review status: criteria provided, single submitter. Criteria: Invitae Variant Classification Sherloc (09022015). Collection method: clinical testing. Allele origin: germline.
Comment: This sequence change creates a premature translational stop signal (p.Arg8007*) in the TTN gene. While this is not anticipated to result in nonsense mediated decay, it is expected to create a truncated TTN protein. This variant is not present in population databases (gnomAD no frequency). This premature translational stop signal has been observed in individual(s) with clinical features of autosomal recessive centronuclear myopathy and/or dilated cardiomyopathy (PMID: 27532257; internal data). ClinVar contains an entry for this variant (Variation ID: 198945). Algorithms developed to predict the effect of sequence changes on RNA splicing suggest that this variant may disrupt the consensus splice site. This variant is located in the I band of TTN (PMID: 25589632). Truncating variants in this region have been reported in individuals affected with autosomal recessive centronuclear myopathy (PMID: 23975875, internal data). Truncating variants in this region have also been identified in individuals affected with autosomal dominant dilated cardiomyopathy and/or cardio-related conditions (PMID: 27869827, 32964742, internal data). In summary, the currently available evidence indicates that the variant is pathogenic, but additional data are needed to prove that conclusively. Therefore, this variant has been classified as Likely Pathogenic.

Revvity Omics, Revvity
Classification: Uncertain significance. Last evaluated: 2022-09-19. Review status: criteria provided, single submitter. Criteria: ACMG Guidelines, 2015. Collection method: clinical testing. Allele origin: germline.

Eurofins Ntd Llc (ga)
Classification: Uncertain significance. Last evaluated: 2015-04-22. Review status: criteria provided, single submitter. Criteria: EGL Classification Definitions 2015. Collection method: clinical testing. Allele origin: germline. Observed: 1 variant allele, 1 heterozygote.

Literature cited by the submitters: PubMed 27532257 (cited by Labcorp Genetics (formerly Invitae), Labcorp); PubMed 25589632 (cited by Labcorp Genetics (formerly Invitae), Labcorp); PubMed 23975875 (cited by Labcorp Genetics (formerly Invitae), Labcorp); PubMed 27869827 (cited by Labcorp Genetics (formerly Invitae), Labcorp); PubMed 32964742 (cited by Labcorp Genetics (formerly Invitae), Labcorp).